The following is an entry in ClinVar:

NM_000135.4(FANCA):c.2620A>G (p.Arg874Gly)

Genes: FANCA (FA complementation group A; minus strand), LOC130059837 (ATAC-STARR-seq lymphoblastoid active region 11420; plus strand). Cytogenetic location: 16q24.3.
Variant type: single nucleotide variant.
Coding change: c.2620A>G on transcript NM_000135.4 (MANE Select); coding-DNA position 2620, A replaced by G.
Protein change: p.Arg874Gly; replaces arginine 874 with glycine.
Molecular consequence: missense variant.
Genome position (GRCh38, 1-based): chr16:89,765,048, T>C on the plus strand (A>G on the coding strand, the complement: FANCA is on the minus strand). VCF-style: chr16-89765048-T-C. GRCh37 (hg19) VCF-style: chr16-89831456-T-C.
Other names: c.2620A>G, p.Arg874Gly (NM_001286167.3); short protein forms R874G.
Identifiers: ClinVar variation 2200231 (VCV002200231.5), dbSNP rs1413802489, ClinGen allele CA397438908.

ClinVar aggregate classification (germline): Uncertain significance. Review status: criteria provided, multiple submitters, no conflicts (2 of 4 stars). 2 submissions from 2 submitters: Uncertain significance (2). Last evaluated 2024-11-22.

Conditions:
Inborn genetic diseases. Identifiers: MedGen C0950123, MeSH D030342.
Fanconi anemia (FA). Also called: Fanconi's anemia. Identifiers: Orphanet 84, MedGen C0015625, MeSH D005199, MONDO:0019391.

Allele frequency attached by ClinVar (database versions not stated): gnomAD exomes below 0.00001.
gnomAD v4.1: 3 of 1,614,218 alleles (0.00019%); highest among the groups gnomAD compares: Non-Finnish European, 0.00017%; no homozygotes.

Submissions (2):

Ambry Genetics
Classification: Uncertain significance for Inborn genetic diseases. Last evaluated: 2024-11-22. Review status: criteria provided, single submitter. Criteria: Ambry Variant Classification Scheme 2023. Collection method: clinical testing. Allele origin: germline.
Comment: The p.R874G variant (also known as c.2620A>G), located in coding exon 28 of the FANCA gene, results from an A to G substitution at nucleotide position 2620. The arginine at codon 874 is replaced by glycine, an amino acid with dissimilar properties. This amino acid position is conserved. In addition, this alteration is predicted to be deleterious by in silico analysis. Based on the available evidence, the clinical significance of this variant remains unclear.

Labcorp Genetics (formerly Invitae), Labcorp
Classification: Uncertain significance for Fanconi anemia. Last evaluated: 2022-07-19. Review status: criteria provided, single submitter. Criteria: Invitae Variant Classification Sherloc (09022015). Collection method: clinical testing. Allele origin: germline.
Comment: Advanced modeling of protein sequence and biophysical properties (such as structural, functional, and spatial information, amino acid conservation, physicochemical variation, residue mobility, and thermodynamic stability) performed at Invitae indicates that this missense variant is expected to disrupt FANCA protein function. In summary, the available evidence is currently insufficient to determine the role of this variant in disease. Therefore, it has been classified as a Variant of Uncertain Significance. This variant has not been reported in the literature in individuals affected with FANCA-related conditions. This variant is present in population databases (no rsID available, gnomAD 0.0009%). This sequence change replaces arginine, which is basic and polar, with glycine, which is neutral and non-polar, at codon 874 of the FANCA protein (p.Arg874Gly).